The following is an entry in ClinVar:

NM_001042681.2(RERE):c.3877T>C (p.Tyr1293His)

Gene: RERE (arginine-glutamic acid dipeptide repeats; minus strand). Cytogenetic location: 1p36.23.
Variant type: single nucleotide variant.
Coding change: c.3877T>C on transcript NM_001042681.2 (MANE Select); coding-DNA position 3877, T replaced by C.
Protein change: p.Tyr1293His; replaces tyrosine 1293 with histidine.
Molecular consequence: missense variant.
Genome position (GRCh38, 1-based): chr1:8,358,658, A>G on the plus strand (T>C on the coding strand, the complement: RERE is on the minus strand). VCF-style: chr1-8358658-A-G. GRCh37 (hg19) VCF-style: chr1-8418718-A-G.
Other names: c.2215T>C, p.Tyr739His (NM_001042682.2); c.3877T>C, p.Tyr1293His (NM_012102.4); short protein forms Y1293H, Y739H.
Identifiers: ClinVar variation 2036517 (VCV002036517.4), dbSNP rs2522696695, ClinGen allele CA338169661.
Genomic context (GRCh38, chr1:8,358,658, plus strand): 5'-CCCGCTCTCGGATCTCCCGCTCCCGGAGCTCCCGCTCGCGGATGGTGGGGTCGACGTTGT[A>G]GAGGCCAGGCATGTGGTAGGCCAGCAGGGGGTCCGTGGGGTTAAGGGGCATGTAGAAGGG-3'
Protein context (NP_001036146.1, residues 1283-1303): PLLAYHMPGL[Tyr1293His]NVDPTIRERE

ClinVar aggregate classification (germline): Uncertain significance (1 of 4 stars; one submission).

Submission:

Labcorp Genetics (formerly Invitae), Labcorp
Classification: Uncertain significance. Last evaluated: 2023-07-07. Review status: criteria provided, single submitter. Criteria: Invitae Variant Classification Sherloc (09022015). Collection method: clinical testing. Allele origin: germline.
Comment: This sequence change replaces tyrosine, which is neutral and polar, with histidine, which is basic and polar, at codon 1293 of the RERE protein (p.Tyr1293His). This variant is not present in population databases (gnomAD no frequency). This variant has not been reported in the literature in individuals affected with RERE-related conditions. ClinVar contains an entry for this variant (Variation ID: 2036517). Advanced modeling of protein sequence and biophysical properties (such as structural, functional, and spatial information, amino acid conservation, physicochemical variation, residue mobility, and thermodynamic stability) has been performed at Invitae for this missense variant, however the output from this modeling did not meet the statistical confidence thresholds required to predict the impact of this variant on RERE protein function. In summary, the available evidence is currently insufficient to determine the role of this variant in disease. Therefore, it has been classified as a Variant of Uncertain Significance.